The following is an entry in ClinVar:

NM_182493.3(MYLK3):c.1799G>A (p.Arg600Gln)

Gene: MYLK3 (myosin light chain kinase 3; minus strand). Cytogenetic location: 16q11.2.
Variant type: single nucleotide variant.
Coding change: c.1799G>A on transcript NM_182493.3 (MANE Select); coding-DNA position 1799, G replaced by A.
Protein change: p.Arg600Gln; replaces arginine 600 with glutamine.
Molecular consequence: missense variant.
Genome position (GRCh38, 1-based): chr16:46,727,351, C>T on the plus strand (G>A on the coding strand, the complement: MYLK3 is on the minus strand). VCF-style: chr16-46727351-C-T. GRCh37 (hg19) VCF-style: chr16-46761263-C-T.
Other names: c.776G>A, p.Arg259Gln (NM_001308301.1); c.1799G>A (NM_182493.2); short protein forms R600Q, R259Q.
Identifiers: ClinVar variation 2190040 (VCV002190040.5), dbSNP rs759822773, ClinGen allele CA280219259.

ClinVar aggregate classification (germline): Uncertain significance. Review status: criteria provided, multiple submitters, no conflicts (2 of 4 stars). 2 submissions from 2 submitters: Uncertain significance (2). Last evaluated 2026-01-14.

Allele frequency attached by ClinVar (database versions not stated): gnomAD 0.00001; gnomAD exomes 0.00001; TOPMed 0.00001.
gnomAD v4.1: 17 of 1,612,612 alleles (0.0011%); highest among the groups gnomAD compares: Admixed American, 0.0017%; no homozygotes.

Submissions (2):

Labcorp Genetics (formerly Invitae), Labcorp
Classification: Uncertain significance. Last evaluated: 2026-01-14. Review status: criteria provided, single submitter. Criteria: Invitae Variant Classification Sherloc (09022015). Collection method: clinical testing. Allele origin: germline.
Comment: This sequence change replaces arginine, which is basic and polar, with glutamine, which is neutral and polar, at codon 600 of the MYLK3 protein (p.Arg600Gln). This variant is not present in population databases (gnomAD no frequency). This variant has not been reported in the literature in individuals affected with MYLK3-related conditions. ClinVar contains an entry for this variant (Variation ID: 2190040). An algorithm developed to predict the effect of missense changes on protein structure and function (PolyPhen-2) suggests that this variant is likely to be disruptive. In summary, the available evidence is currently insufficient to determine the role of this variant in disease. Therefore, it has been classified as a Variant of Uncertain Significance.

Ambry Genetics
Classification: Uncertain significance. Last evaluated: 2024-08-07. Review status: criteria provided, single submitter. Criteria: Ambry Variant Classification Scheme 2023. Collection method: clinical testing. Allele origin: germline.